The following is an entry in ClinVar:

ClinVar aggregate classification (germline): Uncertain significance (1 of 4 stars; one submission).

Conditions:
Hereditary cancer-predisposing syndrome. Also called: Neoplastic Syndromes, Hereditary; Tumor predisposition; Hereditary neoplastic syndrome; Hereditary Cancer Syndrome. Identifiers: Orphanet 140162, MedGen C0027672, MeSH D009386, MONDO:0015356.

Allele frequency attached by ClinVar (database versions not stated): gnomAD exomes below 0.00001; ExAC 0.00001.
gnomAD v4.1: 2 of 1,613,604 alleles (0.00012%); highest among the groups gnomAD compares: Non-Finnish European, 0.00017%; no homozygotes.

Submission:

Ambry Genetics
Classification: Uncertain significance for Hereditary cancer-predisposing syndrome. Last evaluated: 2023-12-14. Review status: criteria provided, single submitter. Criteria: Ambry Variant Classification Scheme 2023. Collection method: clinical testing. Allele origin: germline.
Comment: The p.E257D variant (also known as c.771G>T), located in coding exon 5 of the KIT gene, results from a G to T substitution at nucleotide position 771. The glutamic acid at codon 257 is replaced by aspartic acid, an amino acid with highly similar properties. This amino acid position is conserved. In addition, this alteration is predicted to be tolerated by in silico analysis. Since supporting evidence is limited at this time, the clinical significance of this alteration remains unclear.

NM_000222.3(KIT):c.771G>T (p.Glu257Asp)

Gene: KIT (KIT proto-oncogene, receptor tyrosine kinase; plus strand). Cytogenetic location: 4q12.
Variant type: single nucleotide variant.
Coding change: c.771G>T on transcript NM_000222.3 (MANE Select); coding-DNA position 771, G replaced by T.
Protein change: p.Glu257Asp; replaces glutamic acid 257 with aspartic acid.
Molecular consequence: missense variant.
Genome position (GRCh38, 1-based): chr4:54,703,738, G>T. VCF-style: chr4-54703738-G-T. GRCh37 (hg19) VCF-style: chr4-55569904-G-T.
Other names: c.771G>T, p.Glu257Asp (NM_001093772.2, NM_001385285.1, NM_001385286.1); c.774G>T, p.Glu258Asp (NM_001385284.1, NM_001385288.1, NM_001385290.1 and 1 more transcripts); short protein forms E257D, E258D.
Identifiers: ClinVar variation 3230689 (VCV003230689.1), dbSNP rs753318751, ClinGen allele CA2923319.